The following is an entry in ClinVar:

NM_033118.4(MYLK2):c.463A>T (p.Ile155Phe)

Gene: MYLK2 (myosin light chain kinase 2; plus strand). Cytogenetic location: 20q11.21.
Variant type: single nucleotide variant.
Coding change: c.463A>T on transcript NM_033118.4 (MANE Select); coding-DNA position 463, A replaced by T.
Protein change: p.Ile155Phe; replaces isoleucine 155 with phenylalanine.
Molecular consequence: missense variant.
Genome position (GRCh38, 1-based): chr20:31,820,536, A>T. VCF-style: chr20-31820536-A-T. GRCh37 (hg19) VCF-style: chr20-30408339-A-T.
Other names: short protein forms I155F.
Identifiers: ClinVar variation 164499 (VCV000164499.15), dbSNP rs140233643, ClinGen allele CA177192.
Genomic context (GRCh38, chr20:31,820,536, plus strand): 5'-GGCCAAGCAGCAGCCAGGAGGGGCTCACCTGCCTTTCTGCATAGCCCCAGCTGTCCTGCC[A>T]TCATCTCCAGGTGAATATCCCCTCCTGGGAGTGGGGAGGGGTCCTGTGGTTCTGTCCCTA-3'
Protein context (NP_149109.1, residues 145-165): AFLHSPSCPA[Ile155Phe]ISSSEKLLAK

ClinVar aggregate classification (germline): Uncertain significance. Review status: criteria provided, multiple submitters, no conflicts (2 of 4 stars). 3 submissions from 3 submitters: Uncertain significance (3). Last evaluated 2025-12-23.

Conditions:
Cardiomyopathy (CMYO). Also called: Cardiomyopathies. Identifiers: Orphanet 167848, MedGen C0878544, MONDO:0004994, HP:0001638. Inheritance: Various modes of inheritance.
Hypertrophic cardiomyopathy 1 (CMH1). Also called: MYH7-Related Familial Hypertrophic Cardiomyopathy; Familial hypertrophic cardiomyopathy 1. Identifiers: MedGen C3495498, MONDO:0008647, OMIM 192600.

Allele frequency attached by ClinVar (database versions not stated): TOPMed 0.00005; gnomAD exomes 0.00006; ESP Exome Variant Server 0.00008.
gnomAD v4.1: 87 of 1,600,880 alleles (0.0054%); highest among the groups gnomAD compares: Admixed American, 0.013%; no homozygotes.

Submissions (3):

Labcorp Genetics (formerly Invitae), Labcorp
Classification: Uncertain significance for Hypertrophic cardiomyopathy 1. Last evaluated: 2025-12-23. Review status: criteria provided, single submitter. Criteria: Invitae Variant Classification Sherloc (09022015). Collection method: clinical testing. Allele origin: germline.
Comment: This sequence change replaces isoleucine, which is neutral and non-polar, with phenylalanine, which is neutral and non-polar, at codon 155 of the MYLK2 protein (p.Ile155Phe). This variant is present in population databases (rs140233643, gnomAD 0.02%). This variant has not been reported in the literature in individuals affected with MYLK2-related conditions. ClinVar contains an entry for this variant (Variation ID: 164499). Invitae Evidence Modeling of protein sequence and biophysical properties (such as structural, functional, and spatial information, amino acid conservation, physicochemical variation, residue mobility, and thermodynamic stability) indicates that this missense variant is not expected to disrupt MYLK2 protein function with a negative predictive value of 80%. In summary, the available evidence is currently insufficient to determine the role of this variant in disease. Therefore, it has been classified as a Variant of Uncertain Significance.

CHEO Genetics Diagnostic Laboratory, Children's Hospital of Eastern Ontario
Classification: Uncertain significance for Cardiomyopathy. Last evaluated: 2017-12-21. Review status: criteria provided, single submitter. Criteria: ACMG Guidelines, 2015. Collection method: clinical testing. Allele origin: germline.

Laboratory for Molecular Medicine, Mass General Brigham Personalized Medicine
Classification: Uncertain significance. Last evaluated: 2015-03-16. Review status: criteria provided, single submitter. Criteria: LMM Criteria. Collection method: clinical testing. Allele origin: germline. Observed: 2 variant alleles.
Comment: This variant has also been identif ied in 4/62662 of European chromosomes by the Exome Aggregation Consortium (ExAC; dbSNP rs140233643). Computational prediction t ools and conservation analysis suggest that the p.Ile155Phe variant may not impa ct the protein, though this information is not predictive enough to rule out pat hogenicity. In summary, the clinical significance of the p.Ile155Phe variant is uncertain.